The following is an entry in ClinVar:

NM_001849.4(COL6A2):c.572C>G (p.Ala191Gly)

Gene: COL6A2 (collagen type VI alpha 2 chain; plus strand). Cytogenetic location: 21q22.3.
Variant type: single nucleotide variant.
Coding change: c.572C>G on transcript NM_001849.4 (MANE Select); coding-DNA position 572, C replaced by G.
Protein change: p.Ala191Gly; replaces alanine 191 with glycine.
Molecular consequence: missense variant.
Genome position (GRCh38, 1-based): chr21:46,112,435, C>G. VCF-style: chr21-46112435-C-G. GRCh37 (hg19) VCF-style: chr21-47532349-C-G.
Other names: c.572C>G, p.Ala191Gly (NM_058174.3, NM_058175.3); short protein forms A191G.
Identifiers: ClinVar variation 4746943 (VCV004746943.1).

ClinVar aggregate classification (germline): Uncertain significance (1 of 4 stars; one submission).

Conditions:
Bethlem myopathy 1A. Also called: MYOPATHY, BENIGN CONGENITAL, WITH CONTRACTURES; Bethlem myopathy 1; Bethlem Muscular Dystrophy. Identifiers: Orphanet 610, MedGen CN029274, MONDO:0024530, OMIM 158810.

Submission:

Labcorp Genetics (formerly Invitae), Labcorp
Classification: Uncertain significance for Bethlem myopathy 1A. Last evaluated: 2025-06-06. Review status: criteria provided, single submitter. Criteria: Invitae Variant Classification Sherloc (09022015). Collection method: clinical testing. Allele origin: germline.
Comment: This sequence change replaces alanine, which is neutral and non-polar, with glycine, which is neutral and non-polar, at codon 191 of the COL6A2 protein (p.Ala191Gly). This variant is not present in population databases (gnomAD no frequency). This variant has not been reported in the literature in individuals affected with COL6A2-related conditions. Invitae Evidence Modeling of protein sequence and biophysical properties (such as structural, functional, and spatial information, amino acid conservation, physicochemical variation, residue mobility, and thermodynamic stability) indicates that this missense variant is not expected to disrupt COL6A2 protein function with a negative predictive value of 80%. In summary, the available evidence is currently insufficient to determine the role of this variant in disease. Therefore, it has been classified as a Variant of Uncertain Significance.